The following is an entry in ClinVar:

ClinVar aggregate classification (germline): Pathogenic/Likely pathogenic. Review status: criteria provided, multiple submitters, no conflicts (2 of 4 stars). 3 submissions from 3 submitters: Pathogenic (1); Likely pathogenic (2). Last evaluated 2022-03-15.

Conditions:
Neurofibromatosis, type 1 (NF1). Also called: Peripheral type neurofibromatosis; Neurofibromatosis, type I; VON RECKLINGHAUSEN DISEASE; NEUROFIBROMATOSIS, TYPE I, SOMATIC. Identifiers: Orphanet 636, MedGen C0027831, MONDO:0018975, OMIM 162200. Disease mechanism: loss of function.

Submissions (3):

Genome-Nilou Lab
Classification: Likely pathogenic for Neurofibromatosis, type 1. Last evaluated: 2022-03-15. Review status: criteria provided, single submitter. Criteria: ACMG Guidelines, 2015. Collection method: clinical testing. Allele origin: germline. Affected: no.

Genome Diagnostics Laboratory, The Hospital for Sick Children
Classification: Likely pathogenic for Neurofibromatosis, type 1. Last evaluated: 2020-10-26. Review status: criteria provided, single submitter. Criteria: ACMG Guidelines, 2015. Collection method: clinical testing. Allele origin: germline. Affected: yes.

Labcorp Genetics (formerly Invitae), Labcorp
Classification: Pathogenic for Neurofibromatosis, type 1. Last evaluated: 2020-09-23. Review status: criteria provided, single submitter. Criteria: Invitae Variant Classification Sherloc (09022015). Collection method: clinical testing. Allele origin: germline.
Comment: For these reasons, this variant has been classified as Pathogenic. Donor and acceptor splice site variants typically lead to a loss of protein function (PMID: 16199547), and loss-of-function variants in NF1 are known to be pathogenic (PMID: 10712197, 23913538). Algorithms developed to predict the effect of sequence changes on RNA splicing suggest that this variant may disrupt the consensus splice site, but this prediction has not been confirmed by published transcriptional studies. Disruption of this splice site has been observed in individual(s) with neurofibromatosis type 1 (PMID: 12552569, 27838393). ClinVar contains an entry for this variant (Variation ID: 581003). This variant is not present in population databases (ExAC no frequency). This sequence change affects an acceptor splice site in intron 19 of the NF1 gene. It is expected to disrupt RNA splicing and likely results in an absent or disrupted protein product.

Literature cited by the submitters: PubMed 16199547 (cited by Labcorp Genetics (formerly Invitae), Labcorp); PubMed 10712197 (cited by Labcorp Genetics (formerly Invitae), Labcorp); PubMed 23913538 (cited by Labcorp Genetics (formerly Invitae), Labcorp); PubMed 12552569 (cited by Labcorp Genetics (formerly Invitae), Labcorp); PubMed 27838393 (cited by Labcorp Genetics (formerly Invitae), Labcorp).

NM_001042492.3(NF1):c.2326-1G>C

Gene: NF1 (neurofibromin 1; plus strand). Cytogenetic location: 17q11.2.
Variant type: single nucleotide variant.
Coding change: c.2326-1G>C on transcript NM_001042492.3 (MANE Select); the canonical splice acceptor site of the intron before coding-DNA position 2326, G replaced by C.
Molecular consequence: splice acceptor variant.
Genome position (GRCh38, 1-based): chr17:31,227,522, G>C. VCF-style: chr17-31227522-G-C. GRCh37 (hg19) VCF-style: chr17-29554540-G-C.
Other names: c.2326-1G>C (NM_000267.4).
Identifiers: ClinVar variation 581003 (VCV000581003.10), dbSNP rs1567848100, ClinGen allele CA398982992.